The following is an entry in ClinVar:

NM_001194998.2(CEP152):c.3394C>G (p.Gln1132Glu)

Gene: CEP152 (centrosomal protein 152; minus strand). Cytogenetic location: 15q21.1.
Variant type: single nucleotide variant.
Coding change: c.3394C>G on transcript NM_001194998.2 (MANE Select); coding-DNA position 3394, C replaced by G.
Protein change: p.Gln1132Glu; replaces glutamine 1132 with glutamic acid.
Molecular consequence: missense variant.
Genome position (GRCh38, 1-based): chr15:48,752,421, G>C on the plus strand (C>G on the coding strand, the complement: CEP152 is on the minus strand). VCF-style: chr15-48752421-G-C. GRCh37 (hg19) VCF-style: chr15-49044618-G-C.
Other names: c.3394C>G, p.Gln1132Glu (NM_014985.4); short protein forms Q1132E.
Identifiers: ClinVar variation 781990 (VCV000781990.34), dbSNP rs199917740, ClinGen allele CA7548353.

ClinVar aggregate classification (germline): Conflicting classifications of pathogenicity. Review status: criteria provided, conflicting classifications (1 of 4 stars). 4 submissions from 3 submitters: Uncertain significance (3); Likely benign (1). Last evaluated 2025-09-01.

Conditions:
Seckel syndrome 5 (SCKL5). Identifiers: Orphanet 808, MedGen C3151187, MONDO:0013443, OMIM 613823.
Microcephaly 9, primary, autosomal recessive. Identifiers: Orphanet 2512, MedGen C3553886, MONDO:0013923, OMIM 614852.

Allele frequency attached by ClinVar (database versions not stated): gnomAD 0.00015 and 0.00016; ESP Exome Variant Server 0.00017; gnomAD exomes 0.00011 and 0.00024; TOPMed 0.00012; ExAC 0.00014.
gnomAD v4.1: 197 of 1,613,720 alleles (0.012%); highest among the groups gnomAD compares: Admixed American, 0.0067%; 1 homozygote.

Submissions (4):

Labcorp Genetics (formerly Invitae), Labcorp
Classification: Likely benign. Last evaluated: 2025-09-01. Review status: criteria provided, single submitter. Criteria: Invitae Variant Classification Sherloc (09022015). Collection method: clinical testing. Allele origin: germline.

CeGaT Center for Human Genetics Tuebingen
Classification: Uncertain significance. Last evaluated: 2024-01-01. Review status: criteria provided, single submitter. Criteria: CeGaT Center For Human Genetics Tuebingen Variant Classification Criteria Version 2. Collection method: clinical testing. Allele origin: germline. Affected: yes. Observed: 1 variant allele.
Comment: CEP152: PM2, BP4

Illumina Laboratory Services, Illumina
Classification: Uncertain significance for Seckel syndrome 5. Last evaluated: 2018-01-13. Review status: criteria provided, single submitter. Criteria: ICSL Variant Classification Criteria 13 December 2019. Collection method: clinical testing. Allele origin: germline.

Illumina Laboratory Services, Illumina
Classification: Uncertain significance for Microcephaly 9, primary, autosomal recessive. Last evaluated: 2018-01-13. Review status: criteria provided, single submitter. Criteria: ICSL Variant Classification Criteria 13 December 2019. Collection method: clinical testing. Allele origin: germline.